The following is an entry in ClinVar:

ClinVar aggregate classification (germline): Uncertain significance (0 of 4 stars; one submission).

Conditions:
PEX3-related disorder. Also called: PEX3-related condition.

Submission:

PreventionGenetics, part of Exact Sciences
Classification: Uncertain significance for PEX3-related condition. Last evaluated: 2024-03-21. Review status: no assertion criteria provided. Collection method: clinical testing. Allele origin: germline.
Comment: The PEX3 c.818G>A variant is predicted to result in the amino acid substitution p.Ser273Asn. To our knowledge, this variant has not been reported in the literature or in a large population database, indicating this variant is rare. At this time, the clinical significance of this variant is uncertain due to the absence of conclusive functional and genetic evidence.

NM_003630.3(PEX3):c.818G>A (p.Ser273Asn)

Gene: PEX3 (peroxisomal biogenesis factor 3; plus strand). Cytogenetic location: 6q24.2.
Variant type: single nucleotide variant.
Coding change: c.818G>A on transcript NM_003630.3 (MANE Select); coding-DNA position 818, G replaced by A.
Protein change: p.Ser273Asn; replaces serine 273 with asparagine.
Molecular consequence: missense variant.
Genome position (GRCh38, 1-based): chr6:143,474,856, G>A. VCF-style: chr6-143474856-G-A. GRCh37 (hg19) VCF-style: chr6-143795993-G-A.
Other names: short protein forms S273N.
Identifiers: ClinVar variation 3353976 (VCV003353976.1).
Genomic context (GRCh38, chr6:143,474,856, plus strand): 5'-TTTCTCCTCGAGACATTACCACTATTAAACTTCTCAATGAAACTAGAGACATGTTGGAAA[G>A]GTATGTATACTTCATGTAGCAGGAAAAATATGTGTGTATGTTGAATGTACTTGAGACTAT-3'
Protein context (NP_003621.1, residues 263-283): LLNETRDMLE[Ser273Asn]PDFSTVLNTC